The following is an entry in ClinVar:

ClinVar aggregate classification (germline): Uncertain significance (1 of 4 stars; one submission).

Allele frequency attached by ClinVar (database versions not stated): TOPMed below 0.00001; gnomAD exomes below 0.00001; ExAC 0.00003.
gnomAD v4.1: 4 of 1,603,082 alleles (0.00025%); highest among the groups gnomAD compares: East Asian, 0.0045%; no homozygotes.

Submission:

Labcorp Genetics (formerly Invitae), Labcorp
Classification: Uncertain significance. Last evaluated: 2023-08-24. Review status: criteria provided, single submitter. Criteria: Invitae Variant Classification Sherloc (09022015). Collection method: clinical testing. Allele origin: germline.
Comment: In summary, the available evidence is currently insufficient to determine the role of this variant in disease. Therefore, it has been classified as a Variant of Uncertain Significance. Advanced modeling of protein sequence and biophysical properties (such as structural, functional, and spatial information, amino acid conservation, physicochemical variation, residue mobility, and thermodynamic stability) performed at Invitae indicates that this missense variant is not expected to disrupt PDZD7 protein function. ClinVar contains an entry for this variant (Variation ID: 1936095). This variant has not been reported in the literature in individuals affected with PDZD7-related conditions. This variant is present in population databases (rs754318814, gnomAD 0.02%). This sequence change replaces proline, which is neutral and non-polar, with serine, which is neutral and polar, at codon 429 of the PDZD7 protein (p.Pro429Ser).

NM_001195263.2(PDZD7):c.1285C>T (p.Pro429Ser)

Gene: PDZD7 (PDZ domain containing 7; minus strand). Cytogenetic location: 10q24.31.
Variant type: single nucleotide variant.
Coding change: c.1285C>T on transcript NM_001195263.2 (MANE Select); coding-DNA position 1285, C replaced by T.
Protein change: p.Pro429Ser; replaces proline 429 with serine.
Molecular consequence: missense variant.
Genome position (GRCh38, 1-based): chr10:101,018,861, G>A on the plus strand (C>T on the coding strand, the complement: PDZD7 is on the minus strand). VCF-style: chr10-101018861-G-A. GRCh37 (hg19) VCF-style: chr10-102778618-G-A.
Other names: c.1285C>T, p.Pro429Ser (NM_001351044.2, NM_024895.5); short protein forms P429S.
Identifiers: ClinVar variation 1936095 (VCV001936095.4), dbSNP rs754318814, ClinGen allele CA5654133.